The following is an entry in ClinVar:

NM_001621.5(AHR):c.2521G>A (p.Asp841Asn)

Gene: AHR (aryl hydrocarbon receptor; plus strand). Cytogenetic location: 7p21.1.
Variant type: single nucleotide variant.
Coding change: c.2521G>A on transcript NM_001621.5 (MANE Select); coding-DNA position 2521, G replaced by A.
Protein change: p.Asp841Asn; replaces aspartic acid 841 with asparagine.
Molecular consequence: missense variant.
Genome position (GRCh38, 1-based): chr7:17,343,038, G>A. VCF-style: chr7-17343038-G-A. GRCh37 (hg19) VCF-style: chr7-17382662-G-A.
Other names: c.2521G>A (NM_001621.4); short protein forms D841N.
Identifiers: ClinVar variation 2421837 (VCV002421837.7), dbSNP rs939847475, ClinGen allele CA154124376.

ClinVar aggregate classification (germline): Uncertain significance. Review status: criteria provided, multiple submitters, no conflicts (2 of 4 stars). 2 submissions from 2 submitters: Uncertain significance (2). Last evaluated 2025-10-17.

Allele frequency attached by ClinVar (database versions not stated): gnomAD 0.00001; gnomAD exomes 0.00001; TOPMed 0.00001.
gnomAD v4.1: 21 of 1,613,644 alleles (0.0013%); highest among the groups gnomAD compares: Non-Finnish European, 0.0017%; no homozygotes.

Submissions (2):

Ambry Genetics
Classification: Uncertain significance. Last evaluated: 2025-10-17. Review status: criteria provided, single submitter. Criteria: Ambry Variant Classification Scheme 2023. Collection method: clinical testing. Allele origin: germline.

Labcorp Genetics (formerly Invitae), Labcorp
Classification: Uncertain significance. Last evaluated: 2022-10-24. Review status: criteria provided, single submitter. Criteria: Invitae Variant Classification Sherloc (09022015). Collection method: clinical testing. Allele origin: germline.
Comment: In summary, the available evidence is currently insufficient to determine the role of this variant in disease. Therefore, it has been classified as a Variant of Uncertain Significance. This sequence change replaces aspartic acid, which is acidic and polar, with asparagine, which is neutral and polar, at codon 841 of the AHR protein (p.Asp841Asn). This variant is not present in population databases (gnomAD no frequency). This variant has not been reported in the literature in individuals affected with AHR-related conditions. Algorithms developed to predict the effect of missense changes on protein structure and function are either unavailable or do not agree on the potential impact of this missense change (SIFT: "Tolerated"; PolyPhen-2: "Probably Damaging"; Align-GVGD: "Class C0").